The following is an entry in ClinVar:

NM_000179.3(MSH6):c.3605T>G (p.Met1202Arg)

Gene: MSH6 (mutS homolog 6; plus strand). Cytogenetic location: 2p16.3.
Variant type: single nucleotide variant.
Coding change: c.3605T>G on transcript NM_000179.3 (MANE Select); coding-DNA position 3605, T replaced by G.
Protein change: p.Met1202Arg; replaces methionine 1202 with arginine.
Molecular consequence: missense variant.
Genome position (GRCh38, 1-based): chr2:47,805,666, T>G. VCF-style: chr2-47805666-T-G. GRCh37 (hg19) VCF-style: chr2-48032805-T-G.
Other names: c.3215T>G, p.Met1072Arg (NM_001281492.2); c.2699T>G, p.Met900Arg (NM_001281493.2, NM_001281494.2); short protein forms M1202R, M1072R, M900R.
Identifiers: ClinVar variation 455272 (VCV000455272.13), dbSNP rs587779273, ClinGen allele CA46717445.
Genomic context (GRCh38, chr2:47,805,666, plus strand): 5'-TTTTTTTTTAAGGTGAAAGTACATTTTTTGTTGAATTAAGTGAAACTGCCAGCATACTCA[T>G]GCATGCAACAGCACATTCTCTGGTGCTTGTGGATGAATTAGGTAAGACATTAAACTTCTC-3'
Protein context (NP_000170.1, residues 1192-1212): VELSETASIL[Met1202Arg]HATAHSLVLV

ClinVar aggregate classification (germline): Uncertain significance. Review status: criteria provided, multiple submitters, no conflicts (2 of 4 stars). 2 submissions from 2 submitters: Uncertain significance (2). Last evaluated 2023-07-26.

Conditions:
Hereditary nonpolyposis colorectal neoplasms. Identifiers: MedGen C0009405, MeSH D003123.
Hereditary cancer-predisposing syndrome. Also called: Hereditary Cancer Syndrome; Hereditary neoplastic syndrome; Neoplastic Syndromes, Hereditary; Tumor predisposition. Identifiers: Orphanet 140162, MedGen C0027672, MeSH D009386, MONDO:0015356.

Submissions (2):

Labcorp Genetics (formerly Invitae), Labcorp
Classification: Uncertain significance for Hereditary nonpolyposis colorectal neoplasms. Last evaluated: 2023-07-26. Review status: criteria provided, single submitter. Criteria: Invitae Variant Classification Sherloc (09022015). Collection method: clinical testing. Allele origin: germline.
Comment: In summary, the available evidence is currently insufficient to determine the role of this variant in disease. Therefore, it has been classified as a Variant of Uncertain Significance. Advanced modeling of protein sequence and biophysical properties (such as structural, functional, and spatial information, amino acid conservation, physicochemical variation, residue mobility, and thermodynamic stability) performed at Invitae indicates that this missense variant is not expected to disrupt MSH6 protein function. ClinVar contains an entry for this variant (Variation ID: 455272). This variant has not been reported in the literature in individuals affected with MSH6-related conditions. This variant is not present in population databases (gnomAD no frequency). This sequence change replaces methionine, which is neutral and non-polar, with arginine, which is basic and polar, at codon 1202 of the MSH6 protein (p.Met1202Arg).

Ambry Genetics
Classification: Uncertain significance for Hereditary cancer-predisposing syndrome. Last evaluated: 2022-09-21. Review status: criteria provided, single submitter. Criteria: Ambry Variant Classification Scheme 2023. Collection method: clinical testing. Allele origin: germline.
Comment: The p.M1202R variant (also known as c.3605T>G), located in coding exon 7 of the MSH6 gene, results from a T to G substitution at nucleotide position 3605. The methionine at codon 1202 is replaced by arginine, an amino acid with similar properties. This amino acid position is conserved. In addition, this alteration is predicted to be tolerated by in silico analysis. Since supporting evidence is limited at this time, the clinical significance of this alteration remains unclear.